The following is an entry in ClinVar:

ClinVar aggregate classification (germline): Benign (1 of 4 stars; one submission).

gnomAD v4.1: 478 of 1,570,158 alleles (0.03%); highest among the groups gnomAD compares: African/African-American, 0.49%; 2 homozygotes.

Submission:

Mayo Clinic Laboratories, Mayo Clinic
Classification: Benign. Last evaluated: 2024-10-07. Review status: criteria provided, single submitter. Criteria: ACMG Guidelines, 2015. Collection method: clinical testing. Allele origin: germline. Observed: 1 variant allele.
Comment: BS1, BS2, BP4, BP7

NM_000212.3(ITGB3):c.1125+31G>A

Gene: ITGB3 (integrin subunit beta 3; plus strand). Cytogenetic location: 17q21.32.
Variant type: single nucleotide variant.
Coding change: c.1125+31G>A on transcript NM_000212.3 (MANE Select); 31 bases into the intron after coding-DNA position 1125, G replaced by A.
Molecular consequence: intron variant.
Genome position (GRCh38, 1-based): chr17:47,290,305, G>A. VCF-style: chr17-47290305-G-A. GRCh37 (hg19) VCF-style: chr17-45367671-G-A.
Other names: p.?.
Identifiers: ClinVar variation 4684230 (VCV004684230.1).